The following is an entry in ClinVar:

NM_212482.4(FN1):c.2243C>T (p.Ser748Leu)

Gene: FN1 (fibronectin 1; minus strand). Cytogenetic location: 2q35.
Variant type: single nucleotide variant.
Coding change: c.2243C>T on transcript NM_212482.4 (MANE Select); coding-DNA position 2243, C replaced by T.
Protein change: p.Ser748Leu; replaces serine 748 with leucine.
Molecular consequence: missense variant.
Genome position (GRCh38, 1-based): chr2:215,409,619, G>A on the plus strand (C>T on the coding strand, the complement: FN1 is on the minus strand). VCF-style: chr2-215409619-G-A. GRCh37 (hg19) VCF-style: chr2-216274342-G-A.
Other names: c.2243C>T, p.Ser748Leu (NM_001306129.2, NM_001306130.2, NM_001306131.2 and 13 more transcripts); short protein forms S748L.
Identifiers: ClinVar variation 1060066 (VCV001060066.16), dbSNP rs766013525, ClinGen allele CA2095033.

ClinVar aggregate classification (germline): Uncertain significance. Review status: criteria provided, multiple submitters, no conflicts (2 of 4 stars). 2 submissions from 2 submitters: Uncertain significance (2). Last evaluated 2025-11-01.

Allele frequency attached by ClinVar (database versions not stated): gnomAD exomes below 0.00001 and 0.00001; ExAC 0.00001; gnomAD 0.00001.
gnomAD v4.1: 9 of 1,613,974 alleles (0.00056%); highest among the groups gnomAD compares: Admixed American, 0.0033%; no homozygotes.

Submissions (2):

CeGaT Center for Human Genetics Tuebingen
Classification: Uncertain significance. Last evaluated: 2025-11-01. Review status: criteria provided, single submitter. Criteria: CeGaT Center For Human Genetics Tuebingen Variant Classification Criteria Version 2. Collection method: clinical testing. Allele origin: germline. Affected: yes. Observed: 2 variant alleles.
Comment: FN1: PP2

Labcorp Genetics (formerly Invitae), Labcorp
Classification: Uncertain significance. Last evaluated: 2022-09-17. Review status: criteria provided, single submitter. Criteria: Invitae Variant Classification Sherloc (09022015). Collection method: clinical testing. Allele origin: germline.
Comment: In summary, the available evidence is currently insufficient to determine the role of this variant in disease. Therefore, it has been classified as a Variant of Uncertain Significance. Advanced modeling of protein sequence and biophysical properties (such as structural, functional, and spatial information, amino acid conservation, physicochemical variation, residue mobility, and thermodynamic stability) performed at Invitae indicates that this missense variant is expected to disrupt FN1 protein function. ClinVar contains an entry for this variant (Variation ID: 1060066). This variant is present in population databases (rs766013525, gnomAD 0.006%). This sequence change replaces serine, which is neutral and polar, with leucine, which is neutral and non-polar, at codon 748 of the FN1 protein (p.Ser748Leu). This variant has not been reported in the literature in individuals affected with FN1-related conditions.